The following is an entry in ClinVar:

ClinVar aggregate classification (germline): Likely pathogenic (0 of 4 stars; one submission).

Conditions:
Cohen syndrome (COH1). Also called: PEPPER SYNDROME; Cutis verticis gyrata, retinitis pigmentosa, and sensorineural deafness. Identifiers: Orphanet 193, MedGen C0265223, MONDO:0008999, OMIM 216550.

Submission:

Juha Muilu Group; Institute for Molecular Medicine Finland (FIMM)
Classification: Likely pathogenic for Cohen syndrome. Review status: no assertion criteria provided. Collection method: not provided. Allele origin: unknown.
Comment: FinDis database variant: This variant was not found or characterized by our laboratory, data were collected from public sources: see reference
ClinVar note: Converted during submission from probable-pathogenic to Likely pathogenic.

NM_152564.5(VPS13B):c.5675del (p.Ser1892fs)

Gene: VPS13B (vacuolar protein sorting 13 homolog B; plus strand). Cytogenetic location: 8q22.2.
Variant type: Deletion.
Coding change: c.5675del on transcript NM_152564.5 (MANE Select); coding-DNA position 5675, one base deleted (C; older notation c.5675delC).
Protein change: p.Ser1892fs; shifts the reading frame from serine 1892.
Molecular consequence: frameshift variant.
Genome position (GRCh38, 1-based): chr8:99,642,265, C deleted. VCF-style (leftmost placement, unchanged base first): chr8-99642264-TC-T. GRCh37 (hg19) VCF-style: chr8-100654492-TC-T.
Other names: c.5750delC (NM_017890.4); c.5750del, p.Ser1917fs (NM_017890.5); short protein forms S1892fs, S1917fs.
Identifiers: ClinVar variation 56677 (VCV000056677.2), dbSNP rs386834097, ClinGen allele CA264103.